The following is an entry in ClinVar:

NM_000049.4(ASPA):c.740T>C (p.Leu247Pro)

Genes: ASPA (aspartoacylase; plus strand), SPATA22 (spermatogenesis associated 22; minus strand). Cytogenetic location: 17p13.2.
Variant type: single nucleotide variant.
Coding change: c.740T>C on transcript NM_000049.4 (MANE Select); coding-DNA position 740, T replaced by C.
Protein change: p.Leu247Pro; replaces leucine 247 with proline.
Molecular consequence: missense variant. On other transcripts: intron variant (2).
Genome position (GRCh38, 1-based): chr17:3,494,455, T>C. VCF-style: chr17-3494455-T-C. GRCh37 (hg19) VCF-style: chr17-3397749-T-C.
Other names: c.740T>C, p.Leu247Pro (NM_001128085.1); c.-74+18957A>G (NM_001321336.2, NM_001321337.2); short protein forms L247P.
Identifiers: ClinVar variation 844740 (VCV000844740.10), dbSNP rs2073877343, ClinGen allele CA397686383.

ClinVar aggregate classification (germline): Uncertain significance (1 of 4 stars; one submission).

Conditions:
Spongy degeneration of central nervous system. Also called: ACY2 DEFICIENCY; AMINOACYLASE 2 DEFICIENCY; ASP DEFICIENCY; ASPA DEFICIENCY; ASPARTOACYLASE DEFICIENCY; CANAVAN-VAN BOGAERT-BERTRAND DISEASE. Identifiers: Orphanet 141, MedGen C0206307, MONDO:0010079, OMIM 271900.

Allele frequency attached by ClinVar (database versions not stated): gnomAD exomes below 0.00001.
gnomAD v4.1: 1 of 1,597,152 alleles (0.000063%); highest among the groups gnomAD compares: Non-Finnish European, 0.000086%; no homozygotes.

Submission:

Labcorp Genetics (formerly Invitae), Labcorp
Classification: Uncertain significance for Spongy degeneration of central nervous system. Last evaluated: 2022-09-14. Review status: criteria provided, single submitter. Criteria: Invitae Variant Classification Sherloc (09022015). Collection method: clinical testing. Allele origin: germline.
Comment: This variant is not present in population databases (gnomAD no frequency). This variant has not been reported in the literature in individuals affected with ASPA-related conditions. ClinVar contains an entry for this variant (Variation ID: 844740). Advanced modeling of protein sequence and biophysical properties (such as structural, functional, and spatial information, amino acid conservation, physicochemical variation, residue mobility, and thermodynamic stability) performed at Invitae indicates that this missense variant is expected to disrupt ASPA protein function. In summary, the available evidence is currently insufficient to determine the role of this variant in disease. Therefore, it has been classified as a Variant of Uncertain Significance. This sequence change replaces leucine, which is neutral and non-polar, with proline, which is neutral and non-polar, at codon 247 of the ASPA protein (p.Leu247Pro).